The following is an entry in ClinVar:

NM_005157.6(ABL1):c.3205A>G (p.Ser1069Gly)

Gene: ABL1 (ABL proto-oncogene 1, non-receptor tyrosine kinase; plus strand). Cytogenetic location: 9q34.12.
Variant type: single nucleotide variant.
Coding change: c.3205A>G on transcript NM_005157.6 (MANE Select); coding-DNA position 3205, A replaced by G.
Protein change: p.Ser1069Gly; replaces serine 1069 with glycine.
Molecular consequence: missense variant.
Genome position (GRCh38, 1-based): chr9:130,885,495, A>G. VCF-style: chr9-130885495-A-G. GRCh37 (hg19) VCF-style: chr9-133760882-A-G.
Other names: c.3262A>G, p.Ser1088Gly (NM_007313.3); short protein forms S1069G, S1088G.
Identifiers: ClinVar variation 3390722 (VCV003390722.1).

ClinVar aggregate classification (germline): Uncertain significance (1 of 4 stars; one submission).

Submission:

GeneDx
Classification: Uncertain significance. Last evaluated: 2024-06-06. Review status: criteria provided, single submitter. Criteria: GeneDx Variant Classification Process June 2021. Collection method: clinical testing. Allele origin: germline. Affected: yes.
Comment: Not observed at significant frequency in large population cohorts (gnomAD); In silico analysis indicates that this missense variant does not alter protein structure/function; Has not been previously published as pathogenic or benign to our knowledge